The following is an entry in ClinVar:

ClinVar aggregate classification (germline): Uncertain significance. Review status: criteria provided, multiple submitters, no conflicts (2 of 4 stars). 2 submissions from 2 submitters: Uncertain significance (2). Last evaluated 2024-01-29.

Conditions:
Inborn genetic diseases. Identifiers: MedGen C0950123, MeSH D030342.

Allele frequency attached by ClinVar (database versions not stated): gnomAD exomes below 0.00001 and 0.00001; TOPMed below 0.00001.
gnomAD v4.1: 7 of 1,613,648 alleles (0.00043%); highest among the groups gnomAD compares: African/African-American, 0.0027%; no homozygotes.

Submissions (2):

Ambry Genetics
Classification: Uncertain significance for Inborn genetic diseases. Last evaluated: 2024-01-29. Review status: criteria provided, single submitter. Criteria: Ambry Variant Classification Scheme 2023. Collection method: clinical testing. Allele origin: germline.

Labcorp Genetics (formerly Invitae), Labcorp
Classification: Uncertain significance. Last evaluated: 2022-09-07. Review status: criteria provided, single submitter. Criteria: Invitae Variant Classification Sherloc (09022015). Collection method: clinical testing. Allele origin: germline.
Comment: This sequence change replaces alanine, which is neutral and non-polar, with valine, which is neutral and non-polar, at codon 120 of the COQ9 protein (p.Ala120Val). This variant is present in population databases (no rsID available, gnomAD 0.007%). This variant has not been reported in the literature in individuals affected with COQ9-related conditions. ClinVar contains an entry for this variant (Variation ID: 1467884). Algorithms developed to predict the effect of missense changes on protein structure and function are either unavailable or do not agree on the potential impact of this missense change (SIFT: "Deleterious"; PolyPhen-2: "Probably Damaging"; Align-GVGD: "Class C0"). Algorithms developed to predict the effect of sequence changes on RNA splicing suggest that this variant may create or strengthen a splice site. In summary, the available evidence is currently insufficient to determine the role of this variant in disease. Therefore, it has been classified as a Variant of Uncertain Significance.

NM_020312.4(COQ9):c.359C>T (p.Ala120Val)

Gene: COQ9 (coenzyme Q9; plus strand). Cytogenetic location: 16q21.
Variant type: single nucleotide variant.
Coding change: c.359C>T on transcript NM_020312.4 (MANE Select); coding-DNA position 359, C replaced by T.
Protein change: p.Ala120Val; replaces alanine 120 with valine.
Molecular consequence: missense variant.
Genome position (GRCh38, 1-based): chr16:57,452,917, C>T. VCF-style: chr16-57452917-C-T. GRCh37 (hg19) VCF-style: chr16-57486829-C-T.
Other names: c.359C>T (NM_020312.3); short protein forms A120V.
Identifiers: ClinVar variation 1467884 (VCV001467884.6), dbSNP rs1156599185, ClinGen allele CA396027335.
Genomic context (GRCh38, chr16:57,452,917, plus strand): 5'-AGCACCGCATCCTGACGGCAGCCCTTGAGTTTGTGCCCGCCCACGGGTGGACAGCAGAGG[C>T]GATTGCAGAAGGAGCCCAGGTGTGTATAGGTGAGGGTGGGGCCACCTAACCAAGATGAGC-3'
Protein context (NP_064708.1, residues 110-130): FVPAHGWTAE[Ala120Val]IAEGAQSLGL